The following is an entry in ClinVar:

ClinVar aggregate classification (germline): Uncertain significance (1 of 4 stars; one submission).

Allele frequency attached by ClinVar (database versions not stated): ExAC 0.00001; gnomAD exomes 0.00001; TOPMed 0.00001.
gnomAD v4.1: 4 of 1,610,738 alleles (0.00025%); highest among the groups gnomAD compares: Admixed American, 0.0017%; no homozygotes.

Submission:

Labcorp Genetics (formerly Invitae), Labcorp
Classification: Uncertain significance. Last evaluated: 2023-09-30. Review status: criteria provided, single submitter. Criteria: Invitae Variant Classification Sherloc (09022015). Collection method: clinical testing. Allele origin: germline.
Comment: This sequence change replaces alanine, which is neutral and non-polar, with threonine, which is neutral and polar, at codon 208 of the TNFRSF6B protein (p.Ala208Thr). This variant is present in population databases (rs759615436, gnomAD 0.003%). This variant has not been reported in the literature in individuals affected with TNFRSF6B-related conditions. Algorithms developed to predict the effect of missense changes on protein structure and function output the following: SIFT: "Not Available"; PolyPhen-2: "Benign"; Align-GVGD: "Not Available". The threonine amino acid residue is found in multiple mammalian species, which suggests that this missense change does not adversely affect protein function. ClinVar contains an entry for this variant (Variation ID: 2068682). In summary, the available evidence is currently insufficient to determine the role of this variant in disease. Therefore, it has been classified as a Variant of Uncertain Significance.

NM_003823.4(TNFRSF6B):c.622G>A (p.Ala208Thr)

Genes: RTEL1-TNFRSF6B (RTEL1-TNFRSF6B readthrough (NMD candidate); plus strand), TNFRSF6B (TNF receptor superfamily member 6b; plus strand). Cytogenetic location: 20q13.33.
Variant type: single nucleotide variant.
Coding change: c.622G>A on transcript NM_003823.4 (MANE Select); coding-DNA position 622, G replaced by A.
Protein change: p.Ala208Thr; replaces alanine 208 with threonine.
Molecular consequence: missense variant. On other transcripts: non-coding transcript variant (1).
Genome position (GRCh38, 1-based): chr20:63,698,282, G>A. VCF-style: chr20-63698282-G-A. GRCh37 (hg19) VCF-style: chr20-62329635-G-A.
Other names: short protein forms A208T.
Identifiers: ClinVar variation 2068682 (VCV002068682.4), dbSNP rs759615436, ClinGen allele CA9966533.